The following is an entry in ClinVar:

ClinVar aggregate classification (germline): Likely pathogenic (1 of 4 stars; one submission).

Conditions:
Leber congenital amaurosis (LCA). Also called: Leber's amaurosis. Identifiers: Orphanet 65, MedGen C0339527, MeSH D057130, MONDO:0018998.

Submission:

Natera, Inc.
Classification: Likely pathogenic for Leber congenital amaurosis. Last evaluated: 2025-03-09. Review status: criteria provided, single submitter. Criteria: Natera Variant Classification Schema (03/2026). Collection method: clinical testing. Allele origin: germline.
Comment: The c.2330del variant in CRB1 is a frameshift variant predicted to shift the reading frame beginning at codon 777 and leads to a stop codon 6 codons downstream. This variant is expected to result in nonsense mediated decay, truncation, or a dysfunctional protein product. This variant is rare in the general population with a frequency below the threshold expected for the associated phenotype(s). Given the available evidence, this variant is classified as Likely Pathogenic.

NM_201253.3(CRB1):c.2330del (p.Pro777fs)

Gene: CRB1 (crumbs cell polarity complex component 1; plus strand). Cytogenetic location: 1q31.3.
Variant type: Deletion.
Coding change: c.2330del on transcript NM_201253.3 (MANE Select); coding-DNA position 2330, one base deleted (C; older notation c.2330delC).
Protein change: p.Pro777fs; shifts the reading frame from proline 777.
Molecular consequence: frameshift variant. On other transcripts: non-coding transcript variant (2), intron variant (1).
Genome position (GRCh38, 1-based): chr1:197,427,655, C deleted; the last of 2 consecutive C bases (chr1:197,427,654-197,427,655); deleting either gives the same sequence. VCF-style (leftmost placement, unchanged base first): chr1-197427653-TC-T. GRCh37 (hg19) VCF-style: chr1-197396783-TC-T.
Other names: c.1994del, p.Pro665fs (NM_001193640.2); c.2123del, p.Pro708fs (NM_001257965.2); c.2128+5699del (NM_001257966.2); short protein forms P665fs, P708fs, P777fs.
Identifiers: ClinVar variation 4065508 (VCV004065508.2).